The following is an entry in ClinVar:

NM_053025.4(MYLK):c.372A>C (p.Glu124Asp)

Gene: MYLK (myosin light chain kinase; minus strand). Cytogenetic location: 3q21.1.
Variant type: single nucleotide variant.
Coding change: c.372A>C on transcript NM_053025.4 (MANE Select); coding-DNA position 372, A replaced by C.
Protein change: p.Glu124Asp; replaces glutamic acid 124 with aspartic acid.
Molecular consequence: missense variant. On other transcripts: intron variant (1).
Genome position (GRCh38, 1-based): chr3:123,752,332, T>G on the plus strand (A>C on the coding strand, the complement: MYLK is on the minus strand). VCF-style: chr3-123752332-T-G. GRCh37 (hg19) VCF-style: chr3-123471179-T-G.
Other names: c.372A>C, p.Glu124Asp (NM_053026.4, NM_053027.4, NM_053028.4); c.-155-12331A>C (NM_001321309.2); short protein forms E124D.
Identifiers: ClinVar variation 654432 (VCV000654432.9), dbSNP rs1056087101, ClinGen allele CA82952853.

ClinVar aggregate classification (germline): Uncertain significance. Review status: criteria provided, multiple submitters, no conflicts (2 of 4 stars). 2 submissions from 2 submitters: Uncertain significance (2). Last evaluated 2024-10-08.

Conditions:
Aortic aneurysm, familial thoracic 7 (AAT7). Also called: AORTIC DISSECTION, FAMILIAL, WITH OR WITHOUT AORTIC ANEURYSM. Identifiers: MedGen C3151077, MONDO:0013418, OMIM 613780.

Allele frequency attached by ClinVar (database versions not stated): TOPMed below 0.00001.

Submissions (2):

ARUP Laboratories, Molecular Genetics and Genomics, ARUP Laboratories
Classification: Uncertain significance. Last evaluated: 2024-10-08. Review status: criteria provided, single submitter. Criteria: ARUP Molecular Germline Variant Investigation Process 2024. Collection method: clinical testing. Allele origin: germline.
Comment: The MYLK c.372A>C; p.Glu124Asp variant (rs1056087101), to our knowledge, is not reported in the medical literature but is reported in ClinVar (Variation ID: 654432). This variant is absent from the Genome Aggregation Database (v2.1.1), indicating it is not a common polymorphism. Computational analyses predict that this variant is neutral (REVEL: 0.113). Due to limited information, the clinical significance of this variant is uncertain at this time.

Labcorp Genetics (formerly Invitae), Labcorp
Classification: Uncertain significance for Aortic aneurysm, familial thoracic 7. Last evaluated: 2018-08-06. Review status: criteria provided, single submitter. Criteria: Invitae Variant Classification Sherloc (09022015). Collection method: clinical testing. Allele origin: germline.
Comment: This sequence change replaces glutamic acid with aspartic acid at codon 124 of the MYLK protein (p.Glu124Asp). The glutamic acid residue is highly conserved and there is a small physicochemical difference between glutamic acid and aspartic acid. This variant is not present in population databases (ExAC no frequency). This variant has not been reported in the literature in individuals with MYLK-related disease. Algorithms developed to predict the effect of missense changes on protein structure and function (SIFT, PolyPhen-2, Align-GVGD) all suggest that this variant is likely to be disruptive, but these predictions have not been confirmed by published functional studies and their clinical significance is uncertain. In summary, the available evidence is currently insufficient to determine the role of this variant in disease. Therefore, it has been classified as a Variant of Uncertain Significance.